The following is an entry in ClinVar:

NM_001379500.1(COL18A1):c.36del (p.Arg13fs)

Genes: BNAT1 (breast cancer associated ESR1 regulating natural antisense transcript 1; minus strand), COL18A1 (collagen type XVIII alpha 1 chain; plus strand). Cytogenetic location: 21q22.3.
Variant type: Deletion.
Coding change: c.36del on transcript NM_001379500.1 (MANE Select); coding-DNA position 36, one base deleted (G; older notation c.36delG).
Protein change: p.Arg13fs; shifts the reading frame from arginine 13.
Molecular consequence: frameshift variant.
Genome position (GRCh38, 1-based): chr21:45,405,403, G deleted; the last of 2 consecutive G bases (chr21:45,405,402-45,405,403); deleting either gives the same sequence. VCF-style (leftmost placement, unchanged base first): chr21-45405401-CG-C. GRCh37 (hg19) VCF-style: chr21-46825316-CG-C.
Other names: short protein forms R13fs.
Identifiers: ClinVar variation 2030279 (VCV002030279.4), dbSNP rs2517377446, ClinGen allele CA2580098863.

ClinVar aggregate classification (germline): Pathogenic (1 of 4 stars; one submission).

Submission:

Labcorp Genetics (formerly Invitae), Labcorp
Classification: Pathogenic. Last evaluated: 2022-09-13. Review status: criteria provided, single submitter. Criteria: Invitae Variant Classification Sherloc (09022015). Collection method: clinical testing. Allele origin: germline.
Comment: For these reasons, this variant has been classified as Pathogenic. This variant has not been reported in the literature in individuals affected with COL18A1-related conditions. This variant is not present in population databases (gnomAD no frequency). This sequence change creates a premature translational stop signal (p.Arg13Glyfs*111) in the COL18A1 gene. It is expected to result in an absent or disrupted protein product. Loss-of-function variants in COL18A1 are known to be pathogenic (PMID: 12415512, 25456301).

Literature cited by the submitters: PubMed 12415512; PubMed 25456301.